The following is an entry in ClinVar:

ClinVar aggregate classification (germline): Conflicting classifications of pathogenicity. Review status: criteria provided, conflicting classifications (1 of 4 stars). 2 submissions from 2 submitters: Likely pathogenic (1); Uncertain significance (1). Last evaluated 2024-11-06.

Conditions:
SLC5A1-related disorder. Also called: SLC5A1-related condition.
Congenital glucose-galactose malabsorption (GGM). Also called: MONOSACCHARIDE MALABSORPTION; DIARRHEA 16. Identifiers: Orphanet 35710, MedGen C0268186, MONDO:0011731, OMIM 606824.

Allele frequency attached by ClinVar (database versions not stated): gnomAD exomes below 0.00001; TOPMed below 0.00001; gnomAD 0.00001.
gnomAD v4.1: 5 of 1,608,754 alleles (0.00031%); highest among the groups gnomAD compares: Admixed American, 0.0083%; no homozygotes.

Submissions (2):

Blueprint Genetics
Classification: Likely pathogenic for SLC5A1-related disorders. Last evaluated: 2024-11-06. Review status: criteria provided, single submitter. Criteria: ACMG Guidelines, 2015. Collection method: clinical testing. Allele origin: germline. Affected: yes. Observed: 1 variant allele.

Labcorp Genetics (formerly Invitae), Labcorp
Classification: Uncertain significance for Congenital glucose-galactose malabsorption. Last evaluated: 2021-04-29. Review status: criteria provided, single submitter. Criteria: Invitae Variant Classification Sherloc (09022015). Collection method: clinical testing. Allele origin: germline.
Comment: This sequence change creates a premature translational stop signal (p.Glu589*) in the SLC5A1 gene. While this is not anticipated to result in nonsense mediated decay, it is expected to disrupt the last 76 amino acid(s) of the SLC5A1 protein. This variant is not present in population databases (ExAC no frequency). This variant has not been reported in the literature in individuals with SLC5A1-related conditions. This variant disrupts the C-terminus of the SLC5A1 protein. Other variant(s) that disrupt this region (p.Pro639Leufs*7) have been observed in individuals with SLC5A1-related conditions (PMID: 24048166). This suggests that this may be a clinically significant region of the protein. In summary, the available evidence is currently insufficient to determine the role of this variant in disease. Therefore, it has been classified as a Variant of Uncertain Significance.

Literature cited by the submitters: PubMed 24048166 (cited by Labcorp Genetics (formerly Invitae), Labcorp).

NM_000343.4(SLC5A1):c.1765G>T (p.Glu589Ter)

Gene: SLC5A1 (solute carrier family 5 member 1; plus strand). Cytogenetic location: 22q12.3.
Variant type: single nucleotide variant.
Coding change: c.1765G>T on transcript NM_000343.4 (MANE Select); coding-DNA position 1765, G replaced by T.
Protein change: p.Glu589Ter; replaces glutamic acid 589 with a stop codon.
Molecular consequence: nonsense.
Genome position (GRCh38, 1-based): chr22:32,104,885, G>T. VCF-style: chr22-32104885-G-T. GRCh37 (hg19) VCF-style: chr22-32500872-G-T.
Other names: c.1384G>T, p.Glu462Ter (NM_001256314.2); short protein forms E462*, E589*.
Identifiers: ClinVar variation 1416750 (VCV001416750.9), dbSNP rs199727071, ClinGen allele CA411314868.